The following is an entry in ClinVar:

ClinVar aggregate classification (germline): Uncertain significance. Review status: criteria provided, multiple submitters, no conflicts (2 of 4 stars). 2 submissions from 2 submitters: Uncertain significance (2). Last evaluated 2023-06-01.

Conditions:
Alpha-methylacyl-CoA racemase deficiency (AMACRD). Also called: AMACR deficiency. Identifiers: Orphanet 79095, MedGen C3280428, MONDO:0013681, OMIM 614307. Disease mechanism: loss of function.

Allele frequency attached by ClinVar (database versions not stated): ExAC 0.00001.

Submissions (2):

Blueprint Genetics
Classification: Uncertain significance. Last evaluated: 2023-06-01. Review status: criteria provided, single submitter. Criteria: ACMG Guidelines, 2015. Collection method: clinical testing. Allele origin: germline.

Labcorp Genetics (formerly Invitae), Labcorp
Classification: Uncertain significance for Alpha-methylacyl-CoA racemase deficiency. Last evaluated: 2022-09-01. Review status: criteria provided, single submitter. Criteria: Invitae Variant Classification Sherloc (09022015). Collection method: clinical testing. Allele origin: germline.
Comment: This sequence change replaces proline, which is neutral and non-polar, with serine, which is neutral and polar, at codon 335 of the AMACR protein (p.Pro335Ser). In summary, the available evidence is currently insufficient to determine the role of this variant in disease. Therefore, it has been classified as a Variant of Uncertain Significance. Algorithms developed to predict the effect of missense changes on protein structure and function are either unavailable or do not agree on the potential impact of this missense change (SIFT: "Deleterious"; PolyPhen-2: "Benign"; Align-GVGD: "Class C65"). This variant has not been reported in the literature in individuals affected with AMACR-related conditions. This variant is present in population databases (rs772219669, gnomAD 0.0009%).

NM_014324.6(AMACR):c.1003C>T (p.Pro335Ser)

Genes: AMACR (alpha-methylacyl-CoA racemase; minus strand), C1QTNF3-AMACR (C1QTNF3-AMACR readthrough (NMD candidate); minus strand). Cytogenetic location: 5p13.2.
Variant type: single nucleotide variant.
Coding change: c.1003C>T on transcript NM_014324.6 (MANE Select); coding-DNA position 1003, C replaced by T.
Protein change: p.Pro335Ser; replaces proline 335 with serine.
Molecular consequence: missense variant. On other transcripts: non-coding transcript variant (1), 3 prime UTR variant (1).
Genome position (GRCh38, 1-based): chr5:33,989,239, G>A on the plus strand (C>T on the coding strand, the complement: AMACR is on the minus strand). VCF-style: chr5-33989239-G-A. GRCh37 (hg19) VCF-style: chr5-33989344-G-A.
Other names: c.1003C>T, p.Pro335Ser (NM_001167595.2); c.*245C>T (NM_203382.3); short protein forms P335S.
Identifiers: ClinVar variation 2110923 (VCV002110923.5), dbSNP rs772219669, ClinGen allele CA3225973.